The following is an entry in ClinVar:

ClinVar aggregate classification (germline): Likely benign. Review status: criteria provided, multiple submitters, no conflicts (2 of 4 stars). 3 submissions from 3 submitters: Likely benign (3). Last evaluated 2024-11-14.

Conditions:
PRDM13-related disorder. Also called: PRDM13-related condition.

Allele frequency attached by ClinVar (database versions not stated): gnomAD 0.00001; TOPMed 0.00001; gnomAD exomes 0.00002.
gnomAD v4.1: 32 of 1,499,896 alleles (0.0021%); highest among the groups gnomAD compares: East Asian, 0.0052%; no homozygotes.

Submissions (3):

PreventionGenetics, part of Exact Sciences
Classification: Likely benign for PRDM13-related condition. Last evaluated: 2024-11-14. Review status: criteria provided, single submitter. Criteria: ACMG Guidelines, 2015. Collection method: clinical testing. Allele origin: germline.
Comment: This variant is classified as likely benign based on ACMG/AMP sequence variant interpretation guidelines (Richards et al. 2015 PMID: 25741868, with internal and published modifications).

Labcorp Genetics (formerly Invitae), Labcorp
Classification: Likely benign. Last evaluated: 2023-05-15. Review status: criteria provided, single submitter. Criteria: Invitae Variant Classification Sherloc (09022015). Collection method: clinical testing. Allele origin: germline.

Blueprint Genetics
Classification: Likely benign. Last evaluated: 2021-02-02. Review status: criteria provided, single submitter. Criteria: ACMG Guidelines, 2015. Collection method: clinical testing. Allele origin: germline.

NM_021620.4(PRDM13):c.897C>T (p.Gly299=)

Gene: PRDM13 (PR/SET domain 13; plus strand). Cytogenetic location: 6q16.2.
Variant type: single nucleotide variant.
Coding change: c.897C>T on transcript NM_021620.4 (MANE Select); coding-DNA position 897, C replaced by T.
Protein change: p.Gly299=; no amino-acid change (glycine 299 retained).
Molecular consequence: synonymous variant.
Genome position (GRCh38, 1-based): chr6:99,613,532, C>T. VCF-style: chr6-99613532-C-T. GRCh37 (hg19) VCF-style: chr6-100061408-C-T.
Other names: c.897C>T (NM_021620.3).
Identifiers: ClinVar variation 1152694 (VCV001152694.11), dbSNP rs558655896, ClinGen allele CA451574902.